The following is an entry in ClinVar:

NM_001377.3(DYNC2H1):c.10834G>C (p.Asp3612His)

Gene: DYNC2H1 (dynein cytoplasmic 2 heavy chain 1; plus strand). Cytogenetic location: 11q22.3.
Variant type: single nucleotide variant.
Coding change: c.10834G>C on transcript NM_001377.3 (MANE Select); coding-DNA position 10834, G replaced by C.
Protein change: p.Asp3612His; replaces aspartic acid 3612 with histidine.
Molecular consequence: missense variant.
Genome position (GRCh38, 1-based): chr11:103,283,029, G>C. VCF-style: chr11-103283029-G-C. GRCh37 (hg19) VCF-style: chr11-103153758-G-C.
Other names: c.10855G>C, p.Asp3619His (NM_001080463.2); short protein forms D3619H, D3612H.
Identifiers: ClinVar variation 220403 (VCV000220403.35), dbSNP rs116872934, ClinGen allele CA348539.

ClinVar aggregate classification (germline): Benign/Likely benign. Review status: criteria provided, multiple submitters, no conflicts (2 of 4 stars). 7 submissions from 7 submitters: Benign (6); Likely benign (1). Last evaluated 2026-08-01.

Conditions:
Jeune thoracic dystrophy. Also called: Jeune syndrome; Infantile thoracic dystrophy; Thoracic pelvic phalangeal dystrophy; Jeune's syndrome; Chondroectodermal dysplasia-like syndrome; Short-rib thoracic dysplasia. Identifiers: Orphanet 474, MedGen C0265275, MONDO:0018770.
Asphyxiating thoracic dystrophy 3. Also called: SHORT-RIB THORACIC DYSPLASIA 3 WITH OR WITHOUT POLYDACTYLY; POLYDACTYLY WITH NEONATAL CHONDRODYSTROPHY, TYPE I; SHORT-RIB THORACIC DYSPLASIA 3/6 WITH POLYDACTYLY, DIGENIC; Short rib polydactyly syndrome 2B; Saldino-Noonan Syndrome. Identifiers: Orphanet 474, Orphanet 93269, Orphanet 93270, Orphanet 93271, MedGen C0036069, MONDO:0013127, OMIM 613091.

Allele frequency attached by ClinVar (database versions not stated): 1000 Genomes Project 0.00519; ESP Exome Variant Server 0.00552; gnomAD 0.00628 and 0.00634; 1000 Genomes Project 30x 0.00640; gnomAD exomes 0.00682 and 0.00789; ExAC 0.00741; TOPMed 0.00744.
gnomAD v4.1: 10,746 of 1,602,214 alleles (0.67%); highest among the groups gnomAD compares: Admixed American, 2.7%; 67 homozygotes.

Submissions (7):

CeGaT Center for Human Genetics Tuebingen
Classification: Benign. Last evaluated: 2026-08-01. Review status: criteria provided, single submitter. Criteria: CeGaT Center For Human Genetics Tuebingen Variant Classification Criteria Version 2. Collection method: clinical testing. Allele origin: germline. Affected: yes. Observed: 5 variant alleles.
Comment: DYNC2H1: BS1, BS2

Labcorp Genetics (formerly Invitae), Labcorp
Classification: Benign for Jeune thoracic dystrophy. Last evaluated: 2026-02-04. Review status: criteria provided, single submitter. Criteria: Invitae Variant Classification Sherloc (09022015). Collection method: clinical testing. Allele origin: germline.

ARUP Laboratories, Molecular Genetics and Genomics, ARUP Laboratories
Classification: Benign for Asphyxiating thoracic dystrophy 3. Last evaluated: 2025-03-07. Review status: criteria provided, single submitter. Criteria: ARUP Molecular Germline Variant Investigation Process 2024. Collection method: clinical testing. Allele origin: germline.

Illumina Laboratory Services, Illumina
Classification: Benign for Asphyxiating thoracic dystrophy 3. Last evaluated: 2018-01-13. Review status: criteria provided, single submitter. Criteria: ICSL Variant Classification Criteria 13 December 2019. Collection method: clinical testing. Allele origin: germline.
Comment: This variant was observed in the ICSL laboratory as part of a predisposition screen in an ostensibly healthy population. It had not been previously curated by ICSL or reported in the Human Gene Mutation Database (HGMD: prior to June 1st, 2018), and was therefore a candidate for classification through an automated scoring system. Utilizing variant allele frequency, disease prevalence and penetrance estimates, and inheritance mode, an automated score was calculated to assess if this variant is too frequent to cause the disease. Based on the score and internal cut-off values, a variant classified as benign is not then subjected to further curation. The score for this variant resulted in a classification of benign for this disease.

GeneDx
Classification: Benign. Last evaluated: 2016-12-27. Review status: criteria provided, single submitter. Criteria: GeneDx Variant Classification (06012015). Collection method: clinical testing. Allele origin: germline. Affected: yes.
Comment: This variant is considered likely benign or benign based on one or more of the following criteria: it is a conservative change, it occurs at a poorly conserved position in the protein, it is predicted to be benign by multiple in silico algorithms, and/or has population frequency not consistent with disease.

Eurofins Ntd Llc (ga)
Classification: Benign. Last evaluated: 2015-10-14. Review status: criteria provided, single submitter. Criteria: EGL Classification Definitions 2015. Collection method: clinical testing. Allele origin: germline. Observed: 2 variant alleles, 2 heterozygotes.

Breakthrough Genomics
Classification: Likely benign. Review status: criteria provided, single submitter. Criteria: ACMG Guidelines, 2015. Collection method: not provided. Allele origin: germline. Inheritance: Autosomal recessive inheritance. Affected: yes.